The following is an entry in ClinVar:

NM_017777.4(MKS1):c.874A>G (p.Lys292Glu)

Gene: MKS1 (MKS transition zone complex subunit 1; minus strand). Cytogenetic location: 17q22.
Variant type: single nucleotide variant.
Coding change: c.874A>G on transcript NM_017777.4 (MANE Select); coding-DNA position 874, A replaced by G.
Protein change: p.Lys292Glu; replaces lysine 292 with glutamic acid.
Molecular consequence: missense variant.
Genome position (GRCh38, 1-based): chr17:58,212,419, T>C on the plus strand (A>G on the coding strand, the complement: MKS1 is on the minus strand). VCF-style: chr17-58212419-T-C. GRCh37 (hg19) VCF-style: chr17-56289780-T-C.
Other names: c.265A>G, p.Lys89Glu (NM_001321268.2); c.874A>G, p.Lys292Glu (NM_001321269.2, NM_001330397.2); short protein forms K292E, K89E.
Identifiers: ClinVar variation 260888 (VCV000260888.24), dbSNP rs201845569, ClinGen allele CA8669370.

ClinVar aggregate classification (germline): Conflicting classifications of pathogenicity. Review status: criteria provided, conflicting classifications (1 of 4 stars). 7 submissions from 7 submitters: Uncertain significance (3); Likely benign (2). 2 of the submissions do not count toward it. Last evaluated 2026-01-11.

Conditions:
Joubert syndrome. Also called: Familial aplasia of the vermis; JOUBERT-BOLTSHAUSER SYNDROME. Identifiers: Orphanet 475, MedGen C5979921, MONDO:0018772.
Meckel-Gruber syndrome. Also called: DYSENCEPHALIA SPLANCHNOCYSTICA; Dysencephalia splachnocystica; GRUBER SYNDROME. Identifiers: Orphanet 564, MedGen C0265215, MONDO:0018921.
Meckel syndrome, type 1 (MKS1). Also called: MECKEL-GRUBER SYNDROME, TYPE 1. Identifiers: Orphanet 564, MedGen C3714506, MONDO:0009571, OMIM 249000.

Allele frequency attached by ClinVar (database versions not stated): gnomAD exomes 0.00005 and 0.00018; ExAC 0.00021; gnomAD 0.00049 and 0.00052; TOPMed 0.00062; 1000 Genomes Project 0.00100; ESP Exome Variant Server 0.00105; 1000 Genomes Project 30x 0.00109.
gnomAD v4.1: 159 of 1,614,204 alleles (0.0099%); highest among the groups gnomAD compares: African/African-American, 0.19%; 1 homozygote.

Submissions (7):

Labcorp Genetics (formerly Invitae), Labcorp
Classification: Likely benign for Joubert syndrome; Meckel-Gruber syndrome. Last evaluated: 2026-01-11. Review status: criteria provided, single submitter. Criteria: Invitae Variant Classification Sherloc (09022015). Collection method: clinical testing. Allele origin: germline.

Blueprint Genetics
Classification: Uncertain significance. Last evaluated: 2024-11-13. Review status: criteria provided, single submitter. Criteria: ACMG Guidelines, 2015. Collection method: clinical testing. Allele origin: germline.

GeneDx
Classification: Uncertain significance. Last evaluated: 2024-08-20. Review status: criteria provided, single submitter. Criteria: GeneDx Variant Classification Process June 2021. Collection method: clinical testing. Allele origin: germline. Affected: yes.
Comment: In silico analysis indicates that this missense variant does not alter protein structure/function; Has not been previously published as pathogenic or benign to our knowledge

Eurofins Ntd Llc (ga)
Classification: Uncertain significance. Last evaluated: 2018-08-15. Review status: criteria provided, single submitter. Criteria: EGL ClinVar v180209 classification definitions. Collection method: clinical testing. Allele origin: germline. Observed: 6 variant alleles, 6 heterozygotes.

PreventionGenetics, part of Exact Sciences
Classification: Likely benign. Review status: criteria provided, single submitter. Criteria: ACMG Guidelines, 2015. Collection method: clinical testing. Allele origin: germline.

Genetic Services Laboratory, University of Chicago
Classification: Uncertain significance. Last evaluated: 2022-07-20. Review status: no assertion criteria provided. Collection method: clinical testing. Allele origin: germline. Affected: no. Not counted in ClinVar's aggregate classification.
Comment: DNA sequence analysis of the MKS1 gene demonstrated a sequence change, c.874A>G, in exon 9 that results in an amino acid change, p.Lys292Glu. This sequence change has been described in the gnomAD database with a frequency of 0.23% in the African/African-American subpopulation (dbSNP rs201845569The p.Lys292Glu change affects a moderately conserved amino acid residue located in a domain of the MKS1 protein that is not known to be functional. The p.Lys292Glu substitution appears to be benign using several in-silico pathogenicity prediction tools (SIFT, PolyPhen2, Align GVGD, REVEL). This sequence change does not appear to have been previously described in individuals with MKS1-related disorders. Due to insufficient evidences and the lack of functional studies, the clinical significance of the p.Lys292Glu change remains unknown at this time.

Natera, Inc.
Classification: Likely benign for Meckel syndrome type 1. Last evaluated: 2020-01-02. Review status: no assertion criteria provided. Collection method: clinical testing. Allele origin: germline. Not counted in ClinVar's aggregate classification.